The following is an entry in ClinVar:

ClinVar aggregate classification (germline): Likely benign (1 of 4 stars; one submission).

gnomAD v4.1: 25 of 1,600,812 alleles (0.0016%); highest among the groups gnomAD compares: Admixed American, 0.01%; no homozygotes.

Submission:

CeGaT Center for Human Genetics Tuebingen
Classification: Likely benign. Last evaluated: 2026-06-01. Review status: criteria provided, single submitter. Criteria: CeGaT Center For Human Genetics Tuebingen Variant Classification Criteria Version 2. Collection method: clinical testing. Allele origin: germline. Affected: yes. Observed: 1 variant allele.
Comment: RFX7: BS2

NM_022841.7(RFX7):c.1177C>T (p.Leu393Phe)

Gene: RFX7 (regulatory factor X7; minus strand). Cytogenetic location: 15q21.3.
Variant type: single nucleotide variant.
Coding change: c.1177C>T on transcript NM_022841.7 (MANE Select); coding-DNA position 1177, C replaced by T.
Protein change: p.Leu393Phe; replaces leucine 393 with phenylalanine.
Molecular consequence: missense variant.
Genome position (GRCh38, 1-based): chr15:56,096,551, G>A on the plus strand (C>T on the coding strand, the complement: RFX7 is on the minus strand). VCF-style: chr15-56096551-G-A. GRCh37 (hg19) VCF-style: chr15-56388749-G-A.
Other names: c.886C>T, p.Leu296Phe (NM_001368073.2, NM_001368074.1, NM_001370554.1); c.1177C>T, p.Leu393Phe (NM_001370561.1); short protein forms L296F, L393F.
Identifiers: ClinVar variation 4873950 (VCV004873950.2).